The following is an entry in ClinVar:

ClinVar aggregate classification (germline): Uncertain significance. Review status: criteria provided, single submitter (1 of 4 stars). 2 submissions from 2 submitters: Uncertain significance (1). 1 of the submissions does not count toward it. Last evaluated 2023-04-29.

Conditions:
FRAS1-related disorder. Also called: FRAS1-related condition.

Allele frequency attached by ClinVar (database versions not stated): gnomAD exomes below 0.00001; ExAC 0.00001; gnomAD 0.00001.
gnomAD v4.1: 2 of 1,607,598 alleles (0.00012%); highest among the groups gnomAD compares: South Asian, 0.0011%; no homozygotes.

Submissions (2):

Labcorp Genetics (formerly Invitae), Labcorp
Classification: Uncertain significance. Last evaluated: 2023-04-29. Review status: criteria provided, single submitter. Criteria: Invitae Variant Classification Sherloc (09022015). Collection method: clinical testing. Allele origin: germline.
Comment: Variants that disrupt the consensus splice site are a relatively common cause of aberrant splicing (PMID: 17576681, 9536098). Algorithms developed to predict the effect of sequence changes on RNA splicing suggest that this variant is not likely to affect RNA splicing. ClinVar contains an entry for this variant (Variation ID: 1358557). This variant has not been reported in the literature in individuals affected with FRAS1-related conditions. This variant is present in population databases (rs772401904, gnomAD 0.003%). This sequence change falls in intron 67 of the FRAS1 gene. It does not directly change the encoded amino acid sequence of the FRAS1 protein. It affects a nucleotide within the consensus splice site. In summary, the available evidence is currently insufficient to determine the role of this variant in disease. Therefore, it has been classified as a Variant of Uncertain Significance.

PreventionGenetics, part of Exact Sciences
Classification: Likely benign for FRAS1-related condition. Last evaluated: 2024-03-13. Review status: no assertion criteria provided. Collection method: clinical testing. Allele origin: germline. Not counted in ClinVar's aggregate classification.
Comment: This variant is classified as likely benign based on ACMG/AMP sequence variant interpretation guidelines (Richards et al. 2015 PMID: 25741868, with internal and published modifications).

Literature cited by the submitters: PubMed 17576681 (cited by Labcorp Genetics (formerly Invitae), Labcorp); PubMed 9536098 (cited by Labcorp Genetics (formerly Invitae), Labcorp).

NM_025074.7(FRAS1):c.10540+4T>G

Gene: FRAS1 (Fraser extracellular matrix complex subunit 1; plus strand). Cytogenetic location: 4q21.21.
Variant type: single nucleotide variant.
Coding change: c.10540+4T>G on transcript NM_025074.7 (MANE Select); 4 bases into the intron after coding-DNA position 10540, T replaced by G.
Molecular consequence: intron variant.
Genome position (GRCh38, 1-based): chr4:78,519,485, T>G. VCF-style: chr4-78519485-T-G. GRCh37 (hg19) VCF-style: chr4-79440639-T-G.
Other names: c.10540+4T>G (NM_025074.6).
Identifiers: ClinVar variation 1358557 (VCV001358557.7), dbSNP rs772401904, ClinGen allele CA2978986.